The following continues an entry in ClinVar:

NM_000053.4(ATP7B):c.2304dup (p.Met769fs)

Gene: ATP7B. ClinVar aggregate classification (germline): Pathogenic/Likely pathogenic. Pathogenic (29); Likely pathogenic (1).

Submissions 12 to 26 of 32:

Color Diagnostics, LLC DBA Color Health
Classification: Pathogenic for Wilson disease. Last evaluated: 2024-05-08. Review status: criteria provided, single submitter. Criteria: ACMG Guidelines, 2015. Collection method: clinical testing. Allele origin: germline.
Comment: This variant inserts 1 nucleotide in exon 8 of the ATP7B gene, creating a frameshift and premature translation stop signal. This variant is expected to result in an absent or non-functional protein product. This variant has been reported in individuals affected with autosomal recessive Wilson disease (PMID: 8533760, 9311736, 15024742, 16283883, 20517649, 21796144, 22735241, 23551039, 24897373, 25390358, 26253413, 26799313, 28717664, 30702195, 30884209, 31708252, 33804940, 34400371DOI: 10.1016/j.ymgmr.2022.100861). Lymphoblast cells derived from an individual homozygous for this variant showed loss of copper-stimulated ATPase activity (PMID: 9311736). This variant co-segregated with Wilson disease and demonstrated a recessive inheritance pattern in large families from Romania and Lebanon (PMID: 24897373, 25390358). This variant has been identified in 32/280946 chromosomes in the general population by the Genome Aggregation Database (gnomAD). Loss of ATP7B function is a known mechanism of disease. Based on the available evidence, this variant is classified as Pathogenic.

Blueprint Genetics
Classification: Pathogenic for ATP7B-related disorders. Last evaluated: 2024-04-18. Review status: criteria provided, single submitter. Criteria: ACMG Guidelines, 2015. Collection method: clinical testing. Allele origin: germline. Affected: yes. Observed: 5 variant alleles.

Baylor Genetics
Classification: Pathogenic for Wilson disease. Last evaluated: 2024-03-25. Review status: criteria provided, single submitter. Criteria: ACMG Guidelines, 2015. Collection method: clinical testing. Allele origin: unknown.

Fulgent Genetics
Classification: Pathogenic for Wilson disease. Last evaluated: 2024-03-07. Review status: criteria provided, single submitter. Criteria: ACMG Guidelines, 2015. Collection method: clinical testing. Allele origin: germline.

Chongqing Key Laboratory of Child Rare Diseases in Infection and Immunity, Children’s Hospital of Chongqing Medical University
Classification: Pathogenic for Wilson disease. Last evaluated: 2024-01-01. Review status: criteria provided, single submitter. Criteria: ACMG Guidelines, 2015. Collection method: clinical testing. Allele origin: germline. Inheritance: Autosomal recessive inheritance. Affected: yes.
Comment: Classified as Pathogenic according to the ACMG/AMP 2015 guidelines (PMID:25741868). The classification was based on the available submitted evidence for Wilson disease (OMIM:277900), including clinical-testing observations, variant consequence/protein annotation, and published or ClinVar evidence where available. Supporting information considered: variant annotation: p.Met769HisfsTer26; Frameshift; Protein domain: TM-associated / cytosolic loop; submitted notation: NM_000053.4:c.2304dupC (p.Met769HisfsTer26); source variant type: Frameshift; source domain: TM-associated / cytosolic loop; allele count n=230: 1.

Genetic Services Laboratory, University of Chicago
Classification: Pathogenic. Last evaluated: 2023-08-11. Review status: criteria provided, single submitter. Criteria: ACMG Guidelines, 2015. Collection method: clinical testing. Allele origin: germline. Affected: yes.
Comment: DNA sequence analysis of the ATP7B gene demonstrated a single base pair duplication in exon 8, c.2304dup. This sequence change results in an amino acid frameshift and creates a premature stop codon 25 amino acids downstream of the change, p.Met769Hisfs*26. This sequence change is predicted to result in an abnormal transcript, which may be degraded, or may lead to the production of a truncated ATP7B protein with potentially abnormal function. This sequence change has been described in the gnomAD database with a frequency of 0.016% in the European subpopulation (dbSNP rs1281430720). This pathogenic sequence change has previously been described in several individuals with Wilson disease in both homozygous and compound heterozygous state with another pathogenic change in the same gene (PMID: 15024742, 20517649, 21796144, 22735241, 24897373, 25390358). It has also been observed to segregate with disease in related individuals in multiple families. These collective evidences indicate that this sequence change is pathogenic.

Revvity Omics, Revvity
Classification: Pathogenic for Wilson disease. Last evaluated: 2023-07-28. Review status: criteria provided, single submitter. Criteria: ACMG Guidelines, 2015. Collection method: clinical testing. Allele origin: germline.

3billion
Classification: Pathogenic for Wilson disease. Last evaluated: 2023-07-06. Review status: criteria provided, single submitter. Criteria: ACMG Guidelines, 2015. Collection method: clinical testing. Allele origin: germline. Affected: yes.
Comment: The variant is observed at an extremely low frequency in the gnomAD v2.1.1 dataset (total allele frequency: 0.011%). Predicted Consequence/Location: Frameshift: predicted to result in a loss or disruption of normal protein function through nonsense-mediated decay (NMD) or protein truncation. Multiple pathogenic variants are reported downstream of the variant. The variant has been reported at least twice as pathogenic with clinical assertions and evidence for the classification (ClinVar ID: VCV000456552 /PMID: 7626145 /3billion dataset). Therefore, this variant is classified as Pathogenic according to the recommendation of ACMG/AMP guideline.

GeneDx
Classification: Pathogenic. Last evaluated: 2022-12-15. Review status: criteria provided, single submitter. Criteria: GeneDx Variant Classification Process June 2021. Collection method: clinical testing. Allele origin: germline. Affected: yes.
Comment: Frameshift variant predicted to result in protein truncation or nonsense mediated decay in a gene for which loss-of-function is a known mechanism of disease; This variant is associated with the following publications: (PMID: 7626145, 26799313, 34400371, 30291343, 24897373, 27398169, 26819605, 23159873, 28776642, 20517649, 23982005, 28717664, 25390358, 15024742, 30655162, 31708252, 30366773, 32345733, 31980526, 30275481, 31589614, 32005694, 33763395, 34426522, 34240825, 33159804, 18034201, 28855492, 28212618)

MGZ Medical Genetics Center
Classification: Pathogenic for Wilson disease. Last evaluated: 2022-07-28. Review status: criteria provided, single submitter. Criteria: ACMG Guidelines, 2015. Collection method: clinical testing. Allele origin: germline. Affected: yes. Observed: 1 variant allele.
Comment: ACMG criteria applied: PVS1, PP1_STR, PS4_MOD, PM3, PM2_SUP

Genome-Nilou Lab
Classification: Pathogenic for Wilson disease. Last evaluated: 2021-08-10. Review status: criteria provided, single submitter. Criteria: ACMG Guidelines, 2015. Collection method: clinical testing. Allele origin: germline. Affected: no.

Ambry Genetics
Classification: Pathogenic for Inborn genetic diseases. Last evaluated: 2021-06-06. Review status: criteria provided, single submitter. Criteria: Ambry Variant Classification Scheme 2023. Collection method: clinical testing. Allele origin: germline.
Comment: The c.2304dupC (p.M769Hfs*26) alteration, located in coding exon 8 of the ATP7B gene, consists of a duplication of C at position 2304, causing a translational frameshift with a predicted alternate stop codon after 26 amino acids. This alteration is expected to result in loss of function by premature protein truncation or nonsense-mediated mRNA decay. Based on data from the Genome Aggregation Database (gnomAD) database, the ATP7B c.2304dupC alteration was observed in 0.01% (32/280946) of total alleles studied. The c.2304dupC (p.M769Hfs*26) alteration has been reported in multiple unrelated individuals diagnosed with Wilson's disease in both the homozygous and compound heterozygous state (Deguti, 2004; Wang, 2011; Bem, 2013; Dastsooz, 2014; Yuan, 2015; Yu, 2017). The age of onset and the primary manifestation of disease is variable in these patients. Based on the available evidence, this alteration is classified as pathogenic.

Division of Genomic Medicine, Department of Advanced Medicine, Medical Research Institute, Kanazawa Medical University
Classification: Pathogenic for Wilson disease. Last evaluated: 2021-02-02. Review status: criteria provided, single submitter. Criteria: ACMG Guidelines, 2015. Collection method: clinical testing. Allele origin: germline. Affected: yes. Observed: 1 variant allele.

Laboratory for Molecular Medicine, Mass General Brigham Personalized Medicine
Classification: Pathogenic for Wilson disease. Last evaluated: 2020-06-11. Review status: criteria provided, single submitter. Criteria: ACMG Guidelines, 2015. Collection method: clinical testing. Allele origin: germline.
Comment: The p.Met769HisfsX26 variant in ATP7B has been reported in many individuals with Wilson disease (including at least 1 homozygote and 9 compound heterozygotes) and segregated in at least 4 affected relatives (Cocos 2014, Coffey 2013, Mihaylova 2012). It has also been identified in 0.01% (32/280946) of the total chromosomes by gnomAD. This variant is predicted to cause a frameshift, which alters the protein’s amino acid sequence beginning at position 769 and leads to a premature termination codon 26 amino acids downstream. This alteration is then predicted to lead to a truncated or absent protein. Loss of function of the ATP7B gene is an established disease mechanism in autosomal recessive Wilson disease. In summary, this variant meets criteria to be classified as pathogenic for autosomal recessive Wilson disease. ACMG/AMP criteria applied: PVS1, PM3_VeryStrong, PP1_Strong, PM2_Supporting, PP4.

Centre for Mendelian Genomics, University Medical Centre Ljubljana
Classification: Pathogenic for Wilson disease. Last evaluated: 2019-10-08. Review status: criteria provided, single submitter. Criteria: ACMG Guidelines, 2015. Collection method: clinical testing. Allele origin: unknown. Affected: yes.
Comment: This variant was classified as: Pathogenic. The following ACMG criteria were applied in classifying this variant: PVS1,PS1,PP1-S,PM2.